The following is an entry in ClinVar:

NM_001252024.2(TRPM1):c.3571del (p.Glu1191fs)

Genes: TRPM1 (transient receptor potential cation channel subfamily M member 1; minus strand), TRPM1-AS1 (TRPM1 antisense RNA 1; plus strand), LOC126862088 (BRD4-independent group 4 enhancer GRCh37_chr15:31318084-31319283; plus strand). Cytogenetic location: 15q13.3.
Variant type: Deletion.
Coding change: c.3571del on transcript NM_001252024.2 (MANE Select); coding-DNA position 3571, one base deleted (G; older notation c.3571delG).
Protein change: p.Glu1191fs; shifts the reading frame from glutamic acid 1191.
Molecular consequence: frameshift variant.
Genome position (GRCh38, 1-based): chr15:31,026,197, C deleted on the plus strand (G on the coding strand, the reverse complement: TRPM1 is on the minus strand); the first of 3 consecutive C bases (chr15:31,026,197-31,026,199); deleting any one gives the same sequence. VCF-style (leftmost placement, unchanged base first): chr15-31026196-TC-T. GRCh37 (hg19) VCF-style: chr15-31318399-TC-T.
Other names: c.3622del, p.Glu1208fs (NM_001252020.2); c.3505del, p.Glu1169fs (NM_002420.6); short protein forms E1191fs, E1169fs, E1208fs.
Identifiers: ClinVar variation 195958 (VCV000195958.9), dbSNP rs778390089, ClinGen allele CA202051.

ClinVar aggregate classification (germline): Pathogenic/Likely pathogenic. Review status: criteria provided, multiple submitters, no conflicts (2 of 4 stars). 4 submissions from 4 submitters: Pathogenic (2); Likely pathogenic (1). 1 of the submissions does not count toward it. Last evaluated 2024-02-09.

Conditions:
TRPM1-related disorder. Also called: TRPM1-related condition.
Congenital stationary night blindness 1C. Also called: Night blindness, congenital stationary (complete), 1C, autosomal recessive. Identifiers: Orphanet 215, MedGen C2750747, MONDO:0013183, OMIM 613216.

Submissions (4):

Blueprint Genetics
Classification: Pathogenic for TRPM1-related disorders. Last evaluated: 2024-02-09. Review status: criteria provided, single submitter. Criteria: ACMG Guidelines, 2015. Collection method: clinical testing. Allele origin: germline. Affected: yes. Observed: 5 variant alleles.

3billion
Classification: Likely pathogenic for Congenital stationary night blindness 1C. Last evaluated: 2022-01-03. Review status: criteria provided, single submitter. Criteria: ACMG Guidelines, 2015. Collection method: clinical testing. Allele origin: germline. Affected: yes. Observed: 1 homozygote.
Comment: Frameshift: predicted to result in a loss or disruption of normal protein function through protein truncation. Multiple pathogenic variants are reported in the predicted truncated region (PVS1_S). The variant has been reported to be associated with TRPM1 related disorder (ClinVar ID: VCV000195958). It is observed at an extremely low frequency in the gnomAD v2.1.1 dataset (total allele frequency: 0.000024, PM2_M). Therefore, this variant is classified as likely pathogenic according to the recommendation of ACMG/AMP guideline.

Eurofins Ntd Llc (ga)
Classification: Pathogenic. Last evaluated: 2014-08-11. Review status: criteria provided, single submitter. Criteria: EGL Classification Definitions 2015. Collection method: clinical testing. Allele origin: germline. Observed: 1 variant allele, 1 homozygote.

Genomics England Pilot Project, Genomics England
Classification: Pathogenic for Congenital stationary night blindness 1C. Review status: no assertion criteria provided. Criteria: ACGS Guidelines, 2016. Collection method: clinical testing. Allele origin: germline. Affected: yes. Not counted in ClinVar's aggregate classification.